The following is an entry in ClinVar:

ClinVar aggregate classification (germline): Pathogenic (1 of 4 stars; one submission).

Submission:

Labcorp Genetics (formerly Invitae), Labcorp
Classification: Pathogenic. Last evaluated: 2022-06-10. Review status: criteria provided, single submitter. Criteria: Invitae Variant Classification Sherloc (09022015). Collection method: clinical testing. Allele origin: germline.
Comment: This variant is a gross deletion of the genomic region encompassing exon(s) 6-16 of the TCF12 gene. This deletion is out-of-frame, and is expected to create a premature termination codon and result in an absent or disrupted protein product. Loss-of-function variants in TCF12 are known to be pathogenic (PMID: 23354436, 32620954). This variant has not been reported in the literature in individuals affected with TCF12-related conditions. For these reasons, this variant has been classified as Pathogenic.

Literature cited by the submitters: PubMed 23354436; PubMed 32620954.

NC_000015.9:g.(?_57458580)_(57545686_?)del

Gene: TCF12 (transcription factor 12; plus strand). Cytogenetic location: 15q21.3.
Variant type: Deletion.
Identifiers: ClinVar variation 2427773 (VCV002427773.4).